The following is an entry in ClinVar:

ClinVar aggregate classification (germline): Conflicting classifications of pathogenicity. Review status: criteria provided, conflicting classifications (1 of 4 stars). 4 submissions from 4 submitters: Uncertain significance (1); Likely benign (3). Last evaluated 2026-01-30.

Conditions:
ATP6V0A2-related disorder. Also called: ATP6V0A2-related condition.
Inborn genetic diseases. Identifiers: MedGen C0950123, MeSH D030342.
ALG9 congenital disorder of glycosylation (CDG1L). Also called: ALG9-CDG; CDG Il; CONGENITAL DISORDER OF GLYCOSYLATION, TYPE Il. Identifiers: Orphanet 79328, MedGen C2931006, MONDO:0012117, OMIM 608776.

Allele frequency attached by ClinVar (database versions not stated): gnomAD exomes 0.00019; ExAC 0.00021; ESP Exome Variant Server 0.00054; gnomAD 0.00072 and 0.00078; TOPMed 0.00087; 1000 Genomes Project 30x 0.00109; 1000 Genomes Project 0.00120.
gnomAD v4.1: 216 of 1,614,198 alleles (0.013%); highest among the groups gnomAD compares: African/African-American, 0.23%; no homozygotes.

Submissions (4):

PreventionGenetics, part of Exact Sciences
Classification: Likely benign for ATP6V0A2-related condition. Last evaluated: 2026-01-30. Review status: criteria provided, single submitter. Criteria: ACMG Guidelines, 2015. Collection method: clinical testing. Allele origin: germline.
Comment: This variant is classified as likely benign based on ACMG/AMP sequence variant interpretation guidelines (Richards et al. 2015 PMID: 25741868, with internal and published modifications).

Labcorp Genetics (formerly Invitae), Labcorp
Classification: Likely benign for ALG9 congenital disorder of glycosylation. Last evaluated: 2026-01-27. Review status: criteria provided, single submitter. Criteria: Invitae Variant Classification Sherloc (09022015). Collection method: clinical testing. Allele origin: germline.

Ambry Genetics
Classification: Likely benign for Inborn genetic diseases. Last evaluated: 2025-03-01. Review status: criteria provided, single submitter. Criteria: Ambry Variant Classification Scheme 2023. Collection method: clinical testing. Allele origin: germline.

GeneDx
Classification: Uncertain significance. Last evaluated: 2024-05-22. Review status: criteria provided, single submitter. Criteria: GeneDx Variant Classification Process June 2021. Collection method: clinical testing. Allele origin: germline. Affected: yes.
Comment: Has not been previously published as pathogenic or benign to our knowledge; In silico analysis indicates that this missense variant does not alter protein structure/function; This variant is associated with the following publications: (PMID: 26934580)

NM_012463.4(ATP6V0A2):c.1069A>T (p.Met357Leu)

Gene: ATP6V0A2 (ATPase H+ transporting V0 subunit a2; plus strand). Cytogenetic location: 12q24.31.
Variant type: single nucleotide variant.
Coding change: c.1069A>T on transcript NM_012463.4 (MANE Select); coding-DNA position 1069, A replaced by T.
Protein change: p.Met357Leu; replaces methionine 357 with leucine.
Molecular consequence: missense variant.
Genome position (GRCh38, 1-based): chr12:123,743,815, A>T. VCF-style: chr12-123743815-A-T. GRCh37 (hg19) VCF-style: chr12-124228362-A-T.
Other names: short protein forms M357L.
Identifiers: ClinVar variation 432720 (VCV000432720.20), dbSNP rs146967928, ClinGen allele CA6861832.